The following is an entry in ClinVar:

NM_004385.5(VCAN):c.3103T>G (p.Phe1035Val)

Gene: VCAN (versican; plus strand). Cytogenetic location: 5q14.3.
Variant type: single nucleotide variant.
Coding change: c.3103T>G on transcript NM_004385.5 (MANE Select); coding-DNA position 3103, T replaced by G.
Protein change: p.Phe1035Val; replaces phenylalanine 1035 with valine.
Molecular consequence: missense variant. On other transcripts: intron variant (2).
Genome position (GRCh38, 1-based): chr5:83,521,409, T>G. VCF-style: chr5-83521409-T-G. GRCh37 (hg19) VCF-style: chr5-82817228-T-G.
Other names: c.3103T>G, p.Phe1035Val (NM_001164098.2); c.1042+9013T>G (NM_001164097.2, NM_001126336.3); short protein forms F1035V.
Identifiers: ClinVar variation 354413 (VCV000354413.10), dbSNP rs886060821, ClinGen allele CA10622357.

ClinVar aggregate classification (germline): Uncertain significance. Review status: criteria provided, multiple submitters, no conflicts (2 of 4 stars). 2 submissions from 2 submitters: Uncertain significance (2). Last evaluated 2022-09-28.

Conditions:
Vitreoretinopathy. Also called: Vitreoretinal degeneration. Identifiers: MedGen C0344290, MONDO:0020248, HP:0007773.

Allele frequency attached by ClinVar (database versions not stated): gnomAD exomes below 0.00001; TOPMed below 0.00001.
gnomAD v4.1: 1 of 1,614,126 alleles (0.000062%); highest among the groups gnomAD compares: Non-Finnish European, 0.000085%; no homozygotes.

Submissions (2):

Labcorp Genetics (formerly Invitae), Labcorp
Classification: Uncertain significance. Last evaluated: 2022-09-28. Review status: criteria provided, single submitter. Criteria: Invitae Variant Classification Sherloc (09022015). Collection method: clinical testing. Allele origin: germline.
Comment: In summary, the available evidence is currently insufficient to determine the role of this variant in disease. Therefore, it has been classified as a Variant of Uncertain Significance. Algorithms developed to predict the effect of missense changes on protein structure and function output the following: SIFT: "Deleterious"; PolyPhen-2: "Benign"; Align-GVGD: "Class C0". The valine amino acid residue is found in multiple mammalian species, which suggests that this missense change does not adversely affect protein function. ClinVar contains an entry for this variant (Variation ID: 354413). This variant has not been reported in the literature in individuals affected with VCAN-related conditions. This variant is not present in population databases (gnomAD no frequency). This sequence change replaces phenylalanine, which is neutral and non-polar, with valine, which is neutral and non-polar, at codon 1035 of the VCAN protein (p.Phe1035Val).

Illumina Laboratory Services, Illumina
Classification: Uncertain significance for Vitreoretinopathy. Last evaluated: 2018-01-13. Review status: criteria provided, single submitter. Criteria: ICSL Variant Classification Criteria 13 December 2019. Collection method: clinical testing. Allele origin: germline.